The following is an entry in ClinVar:

NM_000038.6(APC):c.266C>A (p.Ser89Ter)

Gene: APC (APC regulator of Wnt signaling pathway; plus strand). Cytogenetic location: 5q22.2.
Variant type: single nucleotide variant.
Coding change: c.266C>A on transcript NM_000038.6 (MANE Select); coding-DNA position 266, C replaced by A.
Protein change: p.Ser89Ter; replaces serine 89 with a stop codon.
Molecular consequence: nonsense. On other transcripts: 5 prime UTR variant (1).
Genome position (GRCh38, 1-based): chr5:112,767,234, C>A. VCF-style: chr5-112767234-C-A. GRCh37 (hg19) VCF-style: chr5-112102931-C-A.
Other names: c.266C>A, p.Ser89Ter (NM_001127510.3, NM_001354895.2, NM_001354896.2 and 2 more transcripts); c.296C>A, p.Ser99Ter (NM_001127511.3, NM_001354897.2, NM_001354902.2); c.191C>A, p.Ser64Ter (NM_001354898.2, NM_001354904.2); c.89C>A, p.Ser30Ter (NM_001354900.2, NM_001354901.2, NM_001354905.2); c.-770C>A (NM_001354906.2); short protein forms S99*, S89*, S64*, S30*.
Identifiers: ClinVar variation 566516 (VCV000566516.15), dbSNP rs876658846, ClinGen allele CA16021920.

ClinVar aggregate classification (germline): Pathogenic. Review status: criteria provided, multiple submitters, no conflicts (2 of 4 stars). 3 submissions from 3 submitters: Pathogenic (3). Last evaluated 2025-05-20.

Conditions:
Familial adenomatous polyposis 1 (FAP1). Also called: FAMILIAL ADENOMATOUS POLYPOSIS 1, ATTENUATED; POLYPOSIS, ADENOMATOUS INTESTINAL. Identifiers: MedGen C2713442, MONDO:0021056, OMIM 175100. Disease mechanism: loss of function.
Hereditary cancer-predisposing syndrome. Also called: Neoplastic Syndromes, Hereditary; Tumor predisposition; Hereditary neoplastic syndrome; Hereditary Cancer Syndrome. Identifiers: Orphanet 140162, MedGen C0027672, MeSH D009386, MONDO:0015356.

Submissions (3):

Ambry Genetics
Classification: Pathogenic for Hereditary cancer-predisposing syndrome. Last evaluated: 2025-05-20. Review status: criteria provided, single submitter. Criteria: Ambry Variant Classification Scheme 2023. Collection method: clinical testing. Allele origin: germline.
Comment: The p.S89* pathogenic mutation (also known as c.266C>A), located in coding exon 3 of the APC gene, results from a C to A substitution at nucleotide position 266. This changes the amino acid from a serine to a stop codon within coding exon 3. This mutation has been detected in patients with colon polyposis (Urso ED et al. Surg Endosc, 2013 Jan;27:207-13; Ambry internal data). This variant is considered to be rare based on population cohorts in the Genome Aggregation Database (gnomAD). In addition to the clinical data presented in the literature, this alteration is expected to result in loss of function by premature protein truncation or nonsense-mediated mRNA decay. As such, this alteration is interpreted as a disease-causing mutation.

Myriad Genetics, Inc.
Classification: Pathogenic for Familial adenomatous polyposis 1. Last evaluated: 2023-04-25. Review status: criteria provided, single submitter. Criteria: Myriad Autosomal Dominant, Autosomal Recessive and X-Linked Classification Criteria (2023). Collection method: clinical testing. Allele origin: unknown.
Comment: This variant is considered pathogenic. This variant creates a termination codon and is predicted to result in premature protein truncation.

Labcorp Genetics (formerly Invitae), Labcorp
Classification: Pathogenic for Familial adenomatous polyposis 1. Last evaluated: 2018-10-26. Review status: criteria provided, single submitter. Criteria: Invitae Variant Classification Sherloc (09022015). Collection method: clinical testing. Allele origin: germline.
Comment: Loss-of-function variants in APC are known to be pathogenic (PMID: 17963004, 20685668). This variant has not been reported in the literature in individuals with APC-related disease. This variant is not present in population databases (ExAC no frequency). This sequence change creates a premature translational stop signal (p.Ser89*) in the APC gene. It is expected to result in an absent or disrupted protein product. For these reasons, this variant has been classified as Pathogenic.

Literature cited by the submitters: PubMed 22773231 (cited by Ambry Genetics); PubMed 17963004 (cited by Labcorp Genetics (formerly Invitae), Labcorp); PubMed 20685668 (cited by Labcorp Genetics (formerly Invitae), Labcorp).